The following is an entry in ClinVar:

NM_001035.3(RYR2):c.14585T>C (p.Ile4862Thr)

Gene: RYR2 (ryanodine receptor 2; plus strand). Cytogenetic location: 1q43.
Variant type: single nucleotide variant.
Coding change: c.14585T>C on transcript NM_001035.3 (MANE Select); coding-DNA position 14585, T replaced by C.
Protein change: p.Ile4862Thr; replaces isoleucine 4862 with threonine.
Molecular consequence: missense variant.
Genome position (GRCh38, 1-based): chr1:237,819,187, T>C. VCF-style: chr1-237819187-T-C. GRCh37 (hg19) VCF-style: chr1-237982487-T-C.
Other names: c.14585T>C, p.Ile4862Thr (LRG_402t1); short protein forms I4862T.
Identifiers: ClinVar variation 532324 (VCV000532324.10), dbSNP rs1553339084, ClinGen allele CA345426834.
Genomic context (GRCh38, chr1:237,819,187, plus strand): 5'-ATCGAATCATCTTTGACATCACTTTCTTCTTCTTTGTTATTGTCATTCTCTTGGCCATAA[T>C]ACAAGGTAAGTATCCTCCTCACTGAAGCTGATGAACATCTAGAATTTGAGCCACATGTTG-3'
Protein context (NP_001026.2, residues 4852-4872): FFVIVILLAI[Ile4862Thr]QGLIIDAFGE

ClinVar aggregate classification (germline): Likely pathogenic (1 of 4 stars; one submission).

Conditions:
Catecholaminergic polymorphic ventricular tachycardia 1. Also called: VENTRICULAR TACHYCARDIA, CATECHOLAMINERGIC POLYMORPHIC, 1, WITH OR WITHOUT ATRIAL DYSFUNCTION AND/OR DILATED CARDIOMYOPATHY; RYR2-Related Catecholaminergic Polymorphic Ventricular Tachycardia; VENTRICULAR TACHYCARDIA, STRESS-INDUCED POLYMORPHIC 1. Identifiers: Orphanet 3286, MedGen C1631597, MONDO:0011484, OMIM 604772.

Submission:

Labcorp Genetics (formerly Invitae), Labcorp
Classification: Likely pathogenic for Catecholaminergic polymorphic ventricular tachycardia 1. Last evaluated: 2017-12-16. Review status: criteria provided, single submitter. Criteria: Invitae Variant Classification Sherloc (09022015). Collection method: clinical testing. Allele origin: germline.
Comment: This variant is not present in population databases (ExAC no frequency). In summary, the currently available evidence indicates that the variant is pathogenic, but additional data are needed to prove that conclusively. Therefore, this variant has been classified as Likely Pathogenic. Algorithms developed to predict the effect of missense changes on protein structure and function do not agree on the potential impact of this missense change (SIFT: "Deleterious"; PolyPhen-2: "Possibly Damaging"; Align-GVGD: "Class C0"). This sequence change replaces isoleucine with threonine at codon 4862 of the RYR2 protein (p.Ile4862Thr). The isoleucine residue is highly conserved and there is a moderate physicochemical difference between isoleucine and threonine.